The following is an entry in ClinVar:

NM_014319.5(LEMD3):c.2596T>A (p.Leu866Ile)

Gene: LEMD3 (LEM domain containing 3; plus strand). Cytogenetic location: 12q14.3.
Variant type: single nucleotide variant.
Coding change: c.2596T>A on transcript NM_014319.5 (MANE Select); coding-DNA position 2596, T replaced by A.
Protein change: p.Leu866Ile; replaces leucine 866 with isoleucine.
Molecular consequence: missense variant.
Genome position (GRCh38, 1-based): chr12:65,246,185, T>A. VCF-style: chr12-65246185-T-A. GRCh37 (hg19) VCF-style: chr12-65639965-T-A.
Other names: c.2593T>A, p.Leu865Ile (NM_001167614.2); short protein forms L865I, L866I.
Identifiers: ClinVar variation 2418348 (VCV002418348.6), dbSNP rs780993841, ClinGen allele CA6671271.

ClinVar aggregate classification (germline): Uncertain significance (1 of 4 stars; one submission).

Allele frequency attached by ClinVar (database versions not stated): ExAC 0.00001; gnomAD 0.00002; TOPMed 0.00003.
gnomAD v4.1: 18 of 1,611,636 alleles (0.0011%); highest among the groups gnomAD compares: Admixed American, 0.0033%; no homozygotes.

Submission:

Labcorp Genetics (formerly Invitae), Labcorp
Classification: Uncertain significance. Last evaluated: 2025-12-17. Review status: criteria provided, single submitter. Criteria: Invitae Variant Classification Sherloc (09022015). Collection method: clinical testing. Allele origin: germline.
Comment: This sequence change replaces leucine, which is neutral and non-polar, with isoleucine, which is neutral and non-polar, at codon 866 of the LEMD3 protein (p.Leu866Ile). This variant is present in population databases (rs780993841, gnomAD 0.004%). This variant has not been reported in the literature in individuals affected with LEMD3-related conditions. ClinVar contains an entry for this variant (Variation ID: 2418348). Invitae Evidence Modeling of protein sequence and biophysical properties (such as structural, functional, and spatial information, amino acid conservation, physicochemical variation, residue mobility, and thermodynamic stability) indicates that this missense variant is expected to disrupt LEMD3 protein function with a positive predictive value of 80%. In summary, the available evidence is currently insufficient to determine the role of this variant in disease. Therefore, it has been classified as a Variant of Uncertain Significance.